The following is an entry in ClinVar:

ClinVar aggregate classification (germline): Likely benign. Review status: criteria provided, multiple submitters, no conflicts (2 of 4 stars). 2 submissions from 2 submitters: Likely benign (2). Last evaluated 2018-06-14.

Allele frequency attached by ClinVar (database versions not stated): gnomAD exomes 0.00238; gnomAD 0.00829 and 0.00857; TOPMed 0.00905; 1000 Genomes Project 0.01058; 1000 Genomes Project 30x 0.01093.
gnomAD v4.1: 4,626 of 1,552,096 alleles (0.3%); highest among the groups gnomAD compares: African/African-American, 2.5%; 28 homozygotes.

Submissions (2):

GeneDx
Classification: Likely benign. Last evaluated: 2018-06-14. Review status: criteria provided, single submitter. Criteria: GeneDx Variant Classification (06012015). Collection method: clinical testing. Allele origin: germline. Affected: yes.
Comment: This variant is considered likely benign or benign based on one or more of the following criteria: it is a conservative change, it occurs at a poorly conserved position in the protein, it is predicted to be benign by multiple in silico algorithms, and/or has population frequency not consistent with disease.

Breakthrough Genomics
Classification: Likely benign. Review status: criteria provided, single submitter. Criteria: ACMG Guidelines, 2015. Collection method: not provided. Allele origin: germline. Inheritance: Autosomal dominant inheritance. Affected: yes.

NM_025219.3(DNAJC5):c.108-64C>T

Gene: DNAJC5 (DnaJ heat shock protein family (Hsp40) member C5; plus strand). Cytogenetic location: 20q13.33.
Variant type: single nucleotide variant.
Coding change: c.108-64C>T on transcript NM_025219.3 (MANE Select); 64 bases into the intron before coding-DNA position 108, C replaced by T.
Molecular consequence: intron variant.
Genome position (GRCh38, 1-based): chr20:63,929,248, C>T. VCF-style: chr20-63929248-C-T. GRCh37 (hg19) VCF-style: chr20-62560601-C-T.
Identifiers: ClinVar variation 674475 (VCV000674475.2), dbSNP rs115314888, ClinGen allele CA317519712.